The following is an entry in ClinVar:

ClinVar aggregate classification (germline): Pathogenic (1 of 4 stars; one submission).

Submission:

Labcorp Genetics (formerly Invitae), Labcorp
Classification: Pathogenic. Last evaluated: 2023-07-09. Review status: criteria provided, single submitter. Criteria: Invitae Variant Classification Sherloc (09022015). Collection method: clinical testing. Allele origin: germline.
Comment: For these reasons, this variant has been classified as Pathogenic. This variant has not been reported in the literature in individuals affected with PUS1-related conditions. This variant is not present in population databases (gnomAD no frequency). This sequence change creates a premature translational stop signal (p.Pro65Argfs*70) in the PUS1 gene. It is expected to result in an absent or disrupted protein product. Loss-of-function variants in PUS1 are known to be pathogenic (PMID: 17056637, 19731322, 25058219, 26556812).

Literature cited by the submitters: PubMed 17056637; PubMed 19731322; PubMed 25058219; PubMed 26556812.

NM_025215.6(PUS1):c.194del (p.Pro65fs)

Gene: PUS1 (pseudouridine synthase 1; plus strand). Cytogenetic location: 12q24.33.
Variant type: Deletion.
Coding change: c.194del on transcript NM_025215.6 (MANE Select); coding-DNA position 194, one base deleted (C; older notation c.194delC).
Protein change: p.Pro65fs; shifts the reading frame from proline 65.
Molecular consequence: frameshift variant.
Genome position (GRCh38, 1-based): chr12:131,930,026, C deleted; the last of 2 consecutive C bases (chr12:131,930,025-131,930,026); deleting either gives the same sequence. VCF-style (leftmost placement, unchanged base first): chr12-131930024-TC-T. GRCh37 (hg19) VCF-style: chr12-132414569-TC-T.
Other names: c.110del, p.Pro37fs (NM_001002019.3, NM_001002020.3); short protein forms P37fs, P65fs.
Identifiers: ClinVar variation 2740250 (VCV002740250.3), dbSNP rs2541389318, ClinGen allele CA2621967693.